The following is an entry in ClinVar:

NM_001004334.4(GPR179):c.1693C>T (p.Arg565Trp)

Gene: GPR179 (G protein-coupled receptor 179; minus strand). Cytogenetic location: 17q12.
Variant type: single nucleotide variant.
Coding change: c.1693C>T on transcript NM_001004334.4 (MANE Select); coding-DNA position 1693, C replaced by T.
Protein change: p.Arg565Trp; replaces arginine 565 with tryptophan.
Molecular consequence: missense variant.
Genome position (GRCh38, 1-based): chr17:38,334,795, G>A on the plus strand (C>T on the coding strand, the complement: GPR179 is on the minus strand). VCF-style: chr17-38334795-G-A. GRCh37 (hg19) VCF-style: chr17-36490678-G-A.
Other names: short protein forms R565W.
Identifiers: ClinVar variation 1507499 (VCV001507499.7), dbSNP rs549676992, ClinGen allele CA290108490.

ClinVar aggregate classification (germline): Uncertain significance. Review status: criteria provided, multiple submitters, no conflicts (2 of 4 stars). 3 submissions from 3 submitters: Uncertain significance (3). Last evaluated 2024-10-15.

Conditions:
Congenital stationary night blindness 1E. Also called: Night blindness, congenital stationary (complete), 1E, autosomal recessive. Identifiers: Orphanet 215, MedGen C3281215, MONDO:0013807, OMIM 614565.

Allele frequency attached by ClinVar (database versions not stated): gnomAD 0.00002 and 0.00007; TOPMed 0.00005; ExAC 0.00022; 1000 Genomes Project 0.00060; 1000 Genomes Project 30x 0.00078.
gnomAD v4.1: 148 of 1,613,300 alleles (0.0092%); highest among the groups gnomAD compares: East Asian, 0.13%; 2 homozygotes.

Submissions (3):

Blueprint Genetics
Classification: Uncertain significance. Last evaluated: 2024-10-15. Review status: criteria provided, single submitter. Criteria: ACMG Guidelines, 2015. Collection method: clinical testing. Allele origin: germline.

Labcorp Genetics (formerly Invitae), Labcorp
Classification: Uncertain significance. Last evaluated: 2024-05-20. Review status: criteria provided, single submitter. Criteria: Invitae Variant Classification Sherloc (09022015). Collection method: clinical testing. Allele origin: germline.
Comment: This sequence change replaces arginine, which is basic and polar, with tryptophan, which is neutral and slightly polar, at codon 565 of the GPR179 protein (p.Arg565Trp). This variant is present in population databases (rs549676992, gnomAD 0.1%), including at least one homozygous and/or hemizygous individual. This missense change has been observed in individual(s) with clinical features of inherited retinal disease (PMID: 31054281). ClinVar contains an entry for this variant (Variation ID: 1507499). An algorithm developed to predict the effect of missense changes on protein structure and function (PolyPhen-2) suggests that this variant is likely to be disruptive. In summary, the available evidence is currently insufficient to determine the role of this variant in disease. Therefore, it has been classified as a Variant of Uncertain Significance.

Juno Genomics, Hangzhou Juno Genomics, Inc
Classification: Uncertain significance for Congenital stationary night blindness 1E. Review status: criteria provided, single submitter. Criteria: ACMG Guidelines, 2015. Collection method: clinical testing. Allele origin: germline.
Comment: Absent from controls (or at extremely low frequency if recessive) in Genome Aggregation Database.;Multiple lines of computational evidence support a deleterious effect on the gene or gene product.

Literature cited by the submitters: PubMed 31054281 (cited by Labcorp Genetics (formerly Invitae), Labcorp).